The following is an entry in ClinVar:

ClinVar aggregate classification (germline): Pathogenic (1 of 4 stars; one submission).

Conditions:
Peroxisome biogenesis disorder, complementation group 7 (CG7). Also called: Peroxisome biogenesis disorder, complementation group B. Identifiers: MedGen C1864399.

Submission:

Labcorp Genetics (formerly Invitae), Labcorp
Classification: Pathogenic for Peroxisome biogenesis disorder, complementation group 7. Last evaluated: 2022-09-12. Review status: criteria provided, single submitter. Criteria: Invitae Variant Classification Sherloc (09022015). Collection method: clinical testing. Allele origin: germline.
Comment: This variant is not present in population databases (gnomAD no frequency). For these reasons, this variant has been classified as Pathogenic. ClinVar contains an entry for this variant (Variation ID: 1073376). This variant has not been reported in the literature in individuals affected with PEX10-related conditions. This sequence change creates a premature translational stop signal (p.Ala163Profs*70) in the PEX10 gene. It is expected to result in an absent or disrupted protein product. Loss-of-function variants in PEX10 are known to be pathogenic (PMID: 9683594, 10862081, 21031596).

Literature cited by the submitters: PubMed 9683594; PubMed 10862081; PubMed 21031596.

NM_002617.4(PEX10):c.486_496del (p.Ala163fs)

Gene: PEX10 (peroxisomal biogenesis factor 10; minus strand). Cytogenetic location: 1p36.32.
Variant type: Deletion.
Coding change: c.486_496del on transcript NM_002617.4 (MANE Select); coding-DNA positions 486 to 496, 11 bases deleted (GGCGGTCTTCG).
Protein change: p.Ala163fs; shifts the reading frame from alanine 163.
Molecular consequence: frameshift variant. On other transcripts: non-coding transcript variant (1).
Genome position (GRCh38, 1-based): chr1:2,408,556-2,408,566, CGAAGACCGCC deleted on the plus strand (GGCGGTCTTCG on the coding strand, the reverse complement: PEX10 is on the minus strand); deleting any 11 consecutive bases within chr1:2,408,556-2,408,568 gives the same sequence; the c. name uses the placement nearest the transcript's 3' end. VCF-style (leftmost placement, unchanged base first): chr1-2408555-ACGAAGACCGCC-A. GRCh37 (hg19) VCF-style: chr1-2339994-ACGAAGACCGCC-A.
Other names: c.486_496del, p.Ala163fs (NM_001374425.1, NM_153818.2); c.54_64del, p.Ala19fs (NM_001374426.1, NM_001374427.1); short protein forms A163fs, A19fs.
Identifiers: ClinVar variation 1073376 (VCV001073376.5), dbSNP rs2100428385, ClinGen allele CA2499214621.